The following is an entry in ClinVar:

NM_001201550.3(CFHR4):c.774C>G (p.Asp258Glu)

Gene: CFHR4 (complement factor H related 4; plus strand). Cytogenetic location: 1q31.3.
Variant type: single nucleotide variant.
Coding change: c.774C>G on transcript NM_001201550.3 (MANE Select); coding-DNA position 774, C replaced by G.
Protein change: p.Asp258Glu; replaces aspartic acid 258 with glutamic acid.
Molecular consequence: missense variant. On other transcripts: intron variant (1).
Genome position (GRCh38, 1-based): chr1:196,907,473, C>G. VCF-style: chr1-196907473-C-G. GRCh37 (hg19) VCF-style: chr1-196876603-C-G.
Other names: p.Asp257Glu; c.771C>G, p.Asp257Glu (NM_001201551.2); c.256+4858C>G (NM_006684.5); short protein forms D257E, D258E.
Identifiers: ClinVar variation 1336124 (VCV001336124.7), dbSNP rs144216823, ClinGen allele CA1306935.

ClinVar aggregate classification (germline): Benign/Likely benign. Review status: criteria provided, multiple submitters, no conflicts (2 of 4 stars). 4 submissions from 4 submitters: Benign (2); Likely benign (2). Last evaluated 2026-01-22.

Allele frequency attached by ClinVar (database versions not stated): gnomAD exomes 0.00075 and 0.00208; ExAC 0.00269; 1000 Genomes Project 0.00699; 1000 Genomes Project 30x 0.00750; TOPMed 0.00932.

Submissions (4):

Women's Health and Genetics/Laboratory Corporation of America, LabCorp
Classification: Likely benign. Last evaluated: 2026-01-22. Review status: criteria provided, single submitter. Criteria: LabCorp Variant Classification Summary - May 2015. Collection method: clinical testing. Allele origin: germline.

Mayo Clinic Laboratories, Mayo Clinic
Classification: Benign. Last evaluated: 2024-12-26. Review status: criteria provided, single submitter. Criteria: ACMG Guidelines, 2015. Collection method: clinical testing. Allele origin: germline. Observed: 38 variant alleles.
Comment: BS1, BS2, BP1, BP4_moderate

Genetic Services Laboratory, University of Chicago
Classification: Benign. Last evaluated: 2019-05-14. Review status: criteria provided, single submitter. Criteria: ACMG Guidelines, 2015. Collection method: clinical testing. Allele origin: germline. Affected: no.

Breakthrough Genomics
Classification: Likely benign. Review status: criteria provided, single submitter. Criteria: ACMG Guidelines, 2015. Collection method: not provided. Allele origin: germline. Inheritance: Unknown mechanism. Affected: yes.